The following is an entry in ClinVar:

NM_004628.5(XPC):c.1803G>A (p.Glu601=)

Gene: XPC (XPC complex subunit, DNA damage recognition and repair factor; minus strand). Cytogenetic location: 3p25.1.
Variant type: single nucleotide variant.
Coding change: c.1803G>A on transcript NM_004628.5 (MANE Select); coding-DNA position 1803, G replaced by A.
Protein change: p.Glu601=; no amino-acid change (glutamic acid 601 retained).
Molecular consequence: synonymous variant. On other transcripts: non-coding transcript variant (2), intron variant (1).
Genome position (GRCh38, 1-based): chr3:14,158,080, C>T on the plus strand (G>A on the coding strand, the complement: XPC is on the minus strand). VCF-style: chr3-14158080-C-T. GRCh37 (hg19) VCF-style: chr3-14199580-C-T.
Other names: c.1224G>A, p.Glu408= (NM_001354726.2); c.1803G>A, p.Glu601= (NM_001354727.2); c.1785G>A, p.Glu595= (NM_001354729.2); c.1626+177G>A (NM_001354730.2).
Identifiers: ClinVar variation 1692820 (VCV001692820.1), dbSNP rs1161680970, ClinGen allele CA432569677.
Genomic context (GRCh38, chr3:14,158,080, plus strand): 5'-TTCTTTCTTCTCCCTGTCCATAAATGGGCTCTGGTATGGTCTCAAGGTCTCGGCCCACCA[C>T]TCAGCATCAACCCGGCACTTGCGGGTCACTGTCATCCAGACTGGGTCGTACCTCTGTGTG-3'
Protein context (NP_004619.3, residues 591-611): TVTRKCRVDA[Glu601=]WWAETLRPYQ

ClinVar aggregate classification (germline): Uncertain significance (1 of 4 stars; one submission).

Conditions:
Xeroderma pigmentosum (XP). Identifiers: Orphanet 910, MedGen C0043346, MONDO:0019600.

Submission:

Sema4
Classification: Uncertain significance for Xeroderma pigmentosum. Last evaluated: 2022-02-15. Review status: criteria provided, single submitter. Criteria: Sema4 Curation Guidelines. Collection method: curation. Allele origin: germline.
Comment: The XPC c.1803G>A (p.E601=) variant has not been reported in the literature to our knowledge. It was not observed in the large and broad cohorts of the Genome Aggregation Database (PMID: 32461654). This variant has not been reported in ClinVar. In silico tools suggest that the variant may strengthen a cryptic splice site, though these predictions have not been confirmed by functional studies. The evidence is insufficient to meet ACMG/AMP criteria for classifying the variant as benign or pathogenic. Thus, the clinical significance of this variant is currently uncertain.